The following is an entry in ClinVar:

NM_001148.6(ANK2):c.1150C>T (p.Leu384Phe)

Gene: ANK2 (ankyrin 2; plus strand). Cytogenetic location: 4q26.
Variant type: single nucleotide variant.
Coding change: c.1150C>T on transcript NM_001148.6 (MANE Select); coding-DNA position 1150, C replaced by T.
Protein change: p.Leu384Phe; replaces leucine 384 with phenylalanine.
Molecular consequence: missense variant.
Genome position (GRCh38, 1-based): chr4:113,255,894, C>T. VCF-style: chr4-113255894-C-T. GRCh37 (hg19) VCF-style: chr4-114177050-C-T.
Other names: c.1087C>T, p.Leu363Phe (NM_001127493.3, NM_001354252.2, NM_001354253.2 and 14 more transcripts); c.1150C>T, p.Leu384Phe (NM_001354225.2, NM_001354228.2, NM_001354232.2 and 9 more transcripts); c.1195C>T, p.Leu399Phe (NM_001354230.2, NM_001354231.2, NM_001386144.1 and 5 more transcripts); c.1063C>T, p.Leu355Phe (NM_001354260.2, NM_001354274.2, NM_001354276.2 and 16 more transcripts); c.1108C>T, p.Leu370Phe (NM_001354261.2, NM_001386160.1, NM_001386147.1); c.1201C>T, p.Leu401Phe (NM_001386174.1); c.1177C>T, p.Leu393Phe (NM_001386175.1); c.1138C>T, p.Leu380Phe (NM_001386186.2, NM_001354269.3, NM_001386148.2); and 1 more; short protein forms L393F, L401F, L355F, L370F, L399F, L363F, L372F, L380F.
Identifiers: ClinVar variation 2121276 (VCV002121276.4), dbSNP rs2492671544, ClinGen allele CA357927035.

ClinVar aggregate classification (germline): Uncertain significance (1 of 4 stars; one submission).

Conditions:
Long QT syndrome (LQTS). Identifiers: MedGen C0023976, MeSH D008133, MONDO:0002442. Disease mechanism: loss of function. Inheritance: Various modes of inheritance.

Submission:

Labcorp Genetics (formerly Invitae), Labcorp
Classification: Uncertain significance for Long QT syndrome. Last evaluated: 2022-04-04. Review status: criteria provided, single submitter. Criteria: Invitae Variant Classification Sherloc (09022015). Collection method: clinical testing. Allele origin: germline.
Comment: In summary, the available evidence is currently insufficient to determine the role of this variant in disease. Therefore, it has been classified as a Variant of Uncertain Significance. Algorithms developed to predict the effect of missense changes on protein structure and function are either unavailable or do not agree on the potential impact of this missense change (SIFT: "Deleterious"; PolyPhen-2: "Probably Damaging"; Align-GVGD: "Class C0"). This variant has not been reported in the literature in individuals affected with ANK2-related conditions. This variant is not present in population databases (gnomAD no frequency). This sequence change replaces leucine, which is neutral and non-polar, with phenylalanine, which is neutral and non-polar, at codon 384 of the ANK2 protein (p.Leu384Phe).